The following is an entry in ClinVar:

ClinVar aggregate classification (germline): Uncertain significance (1 of 4 stars; one submission).

gnomAD v4.1: 2 of 1,613,842 alleles (0.00012%); highest among the groups gnomAD compares: East Asian, 0.0045%; no homozygotes.

Submission:

Labcorp Genetics (formerly Invitae), Labcorp
Classification: Uncertain significance. Last evaluated: 2024-10-10. Review status: criteria provided, single submitter. Criteria: Invitae Variant Classification Sherloc (09022015). Collection method: clinical testing. Allele origin: germline.
Comment: This sequence change replaces asparagine, which is neutral and polar, with threonine, which is neutral and polar, at codon 718 of the CFH protein (p.Asn718Thr). This variant is not present in population databases (gnomAD no frequency). This variant has not been reported in the literature in individuals affected with CFH-related conditions. An algorithm developed to predict the effect of missense changes on protein structure and function outputs the following: PolyPhen-2: "Benign". The threonine amino acid residue is found in multiple mammalian species, which suggests that this missense change does not adversely affect protein function. In summary, the available evidence is currently insufficient to determine the role of this variant in disease. Therefore, it has been classified as a Variant of Uncertain Significance.

NM_000186.4(CFH):c.2153A>C (p.Asn718Thr)

Gene: CFH (complement factor H; plus strand). Cytogenetic location: 1q31.3.
Variant type: single nucleotide variant.
Coding change: c.2153A>C on transcript NM_000186.4 (MANE Select); coding-DNA position 2153, A replaced by C.
Protein change: p.Asn718Thr; replaces asparagine 718 with threonine.
Molecular consequence: missense variant.
Genome position (GRCh38, 1-based): chr1:196,726,857, A>C. VCF-style: chr1-196726857-A-C. GRCh37 (hg19) VCF-style: chr1-196695987-A-C.
Other names: short protein forms N718T.
Identifiers: ClinVar variation 3663834 (VCV003663834.2).
Genomic context (GRCh38, chr1:196,726,857, plus strand): 5'-AACATGGCTGGGCCCAGCTTTCTTCCCCTCCTTATTACTATGGAGATTCAGTGGAATTCA[A>C]TTGCTCAGAATCATTTACAATGATTGGACACAGATCAATTACGTGTATTCATGGAGTATG-3'
Protein context (NP_000177.2, residues 708-728): PYYYGDSVEF[Asn718Thr]CSESFTMIGH